The following is an entry in ClinVar:

NM_203446.3(SYNJ1):c.3823G>A (p.Gly1275Ser)

Gene: SYNJ1 (synaptojanin 1; minus strand). Cytogenetic location: 21q22.11.
Variant type: single nucleotide variant.
Coding change: c.3823G>A on transcript NM_203446.3 (MANE Select); coding-DNA position 3823, G replaced by A.
Protein change: p.Gly1275Ser; replaces glycine 1275 with serine.
Molecular consequence: missense variant.
Genome position (GRCh38, 1-based): chr21:32,639,000, C>T on the plus strand (G>A on the coding strand, the complement: SYNJ1 is on the minus strand). VCF-style: chr21-32639000-C-T. GRCh37 (hg19) VCF-style: chr21-34011310-C-T.
Other names: c.3775G>A, p.Gly1259Ser (NM_001160302.2); c.3682G>A, p.Gly1228Ser (NM_001160306.2); c.3940G>A, p.Gly1314Ser (NM_003895.4); short protein forms G1314S, G1259S, G1228S, G1275S.
Identifiers: ClinVar variation 658700 (VCV000658700.12), dbSNP rs1601231173, ClinGen allele CA410086811.

ClinVar aggregate classification (germline): Uncertain significance. Review status: criteria provided, multiple submitters, no conflicts (2 of 4 stars). 2 submissions from 2 submitters: Uncertain significance (2). Last evaluated 2024-04-06.

Conditions:
Inborn genetic diseases. Identifiers: MedGen C0950123, MeSH D030342.
Developmental and epileptic encephalopathy, 53. Also called: Epileptic encephalopathy, early infantile, 53. Identifiers: MedGen C4479313, MONDO:0033362, OMIM 617389.
Early-onset Parkinson disease 20. Also called: PARKINSON DISEASE 20, AUTOSOMAL RECESSIVE EARLY-ONSET. Identifiers: Orphanet 391411, MedGen C3809824, MONDO:0014233, OMIM 615530.

Submissions (2):

Ambry Genetics
Classification: Uncertain significance for Inborn genetic diseases. Last evaluated: 2024-04-06. Review status: criteria provided, single submitter. Criteria: Ambry Variant Classification Scheme 2023. Collection method: clinical testing. Allele origin: germline.

Labcorp Genetics (formerly Invitae), Labcorp
Classification: Uncertain significance for Developmental and epileptic encephalopathy, 53; Early-onset Parkinson disease 20. Last evaluated: 2022-06-04. Review status: criteria provided, single submitter. Criteria: Invitae Variant Classification Sherloc (09022015). Collection method: clinical testing. Allele origin: germline.
Comment: In summary, the available evidence is currently insufficient to determine the role of this variant in disease. Therefore, it has been classified as a Variant of Uncertain Significance. Algorithms developed to predict the effect of missense changes on protein structure and function (SIFT, PolyPhen-2, Align-GVGD) all suggest that this variant is likely to be tolerated. ClinVar contains an entry for this variant (Variation ID: 658700). This variant has not been reported in the literature in individuals affected with SYNJ1-related conditions. This variant is not present in population databases (gnomAD no frequency). This sequence change replaces glycine, which is neutral and non-polar, with serine, which is neutral and polar, at codon 1314 of the SYNJ1 protein (p.Gly1314Ser).